The following is an entry in ClinVar:

NM_001164508.2(NEB):c.19804C>T (p.Gln6602Ter)

Gene: NEB (nebulin; minus strand). Cytogenetic location: 2q23.3.
Variant type: single nucleotide variant.
Coding change: c.19804C>T on transcript NM_001164508.2 (MANE Select); coding-DNA position 19804, C replaced by T.
Protein change: p.Gln6602Ter; replaces glutamine 6602 with a stop codon.
Molecular consequence: nonsense.
Genome position (GRCh38, 1-based): chr2:151,552,704, G>A on the plus strand (C>T on the coding strand, the complement: NEB is on the minus strand). VCF-style: chr2-151552704-G-A. GRCh37 (hg19) VCF-style: chr2-152409218-G-A.
Other names: c.19804C>T, p.Gln6602Ter (NM_001164507.2, NM_001271208.2); c.14701C>T, p.Gln4901Ter (NM_004543.5); short protein forms Q4901*, Q6602*.
Identifiers: ClinVar variation 4814744 (VCV004814744.1).

ClinVar aggregate classification (germline): Likely pathogenic (1 of 4 stars; one submission).

Conditions:
Nemaline myopathy 2 (NEM2). Also called: Nemaline myopathy 2, autosomal recessive. Identifiers: MedGen C1850569, MONDO:0009725, OMIM 256030.

Submission:

Natera, Inc.
Classification: Likely pathogenic for Nemaline myopathy type 2. Last evaluated: 2024-12-01. Review status: criteria provided, single submitter. Criteria: Natera Variant Classification Schema (03/2026). Collection method: clinical testing. Allele origin: germline.
Comment: The c.19804C>T variant in NEB is a nonsense variant predicted to introduce a stop codon at amino acid 6602. This variant is expected to result in nonsense mediated decay, truncation, or a dysfunctional protein product. This variant is rare in the general population with a frequency below the threshold expected for the associated phenotype(s). Given the available evidence, this variant is classified as Likely Pathogenic.